The following is an entry in ClinVar:

NM_001267550.2(TTN):c.102630_102645dup (p.Gly34216delinsSerSerGlnTer)

Genes: TTN (titin; minus strand), TTN-AS1 (TTN antisense RNA 1; plus strand). Cytogenetic location: 2q31.2.
Variant type: Duplication.
Coding change: c.102630_102645dup on transcript NM_001267550.2 (MANE Select); coding-DNA positions 102630 to 102645, 16 bases duplicated (AGTAGTCAATGACTAT).
Protein change: p.Gly34216delinsSerSerGlnTer.
Molecular consequence: nonsense.
Genome position (GRCh38, 1-based): chr2:178,533,970-178,533,985, ATAGTCATTGACTACT duplicated on the plus strand (AGTAGTCAATGACTAT on the coding strand, the reverse complement: TTN is on the minus strand). VCF-style (leftmost placement, unchanged base first): chr2-178533969-C-CATAGTCATTGACTACT. GRCh37 (hg19) VCF-style: chr2-179398696-C-CATAGTCATTGACTACT.
Other names: c.97707_97722dup, p.Gly32575delinsSerSerGlnTer (NM_001256850.1); c.75435_75450dup, p.Gly25151delinsSerSerGlnTer (NM_003319.4); c.94926_94941dup, p.Gly31648delinsSerSerGlnTer (NM_133378.4); c.75810_75825dup, p.Gly25276delinsSerSerGlnTer (NM_133432.3); c.76011_76026dup, p.Gly25343delinsSerSerGlnTer (NM_133437.4).
Identifiers: ClinVar variation 1067711 (VCV001067711.9), dbSNP rs2154135556, ClinGen allele CA2499215283.

ClinVar aggregate classification (germline): Likely pathogenic (1 of 4 stars; one submission).

Conditions:
Dilated cardiomyopathy 1G (CMD1G). Identifiers: Orphanet 154, MedGen C1858763, MONDO:0011400, OMIM 604145.
Autosomal recessive limb-girdle muscular dystrophy type 2J (LGMDR10). Also called: Limb-girdle muscular dystrophy, type 2J; MUSCULAR DYSTROPHY, LIMB-GIRDLE, AUTOSOMAL RECESSIVE 10. Identifiers: Orphanet 140922, MedGen C1837342, MONDO:0012127, OMIM 608807.

Submission:

Labcorp Genetics (formerly Invitae), Labcorp
Classification: Likely pathogenic for Dilated cardiomyopathy 1G; Autosomal recessive limb-girdle muscular dystrophy type 2J. Last evaluated: 2023-12-06. Review status: criteria provided, single submitter. Criteria: Invitae Variant Classification Sherloc (09022015). Collection method: clinical testing. Allele origin: germline.
Comment: This sequence change creates a premature translational stop signal (p.Gly34216Serfs*4) in the TTN gene. While this is not anticipated to result in nonsense mediated decay, it is expected to create a truncated TTN protein. This variant is not present in population databases (gnomAD no frequency). This variant has not been reported in the literature in individuals affected with TTN-related conditions. ClinVar contains an entry for this variant (Variation ID: 1067711). This variant is located in the M band of TTN (PMID: 25589632). Truncating variants in this region have been previously reported in individuals affected with autosomal recessive myopathy and muscular dystrophy (PMID: 18948003, 23975875, 24395473). Truncating variants in this region have also been identified in individuals affected with autosomal dominant dilated cardiomyopathy and/or cardio-related conditions (PMID: 27869827, 32964742). In summary, the currently available evidence indicates that the variant is pathogenic, but additional data are needed to prove that conclusively. Therefore, this variant has been classified as Likely Pathogenic.

Literature cited by the submitters: PubMed 25589632; PubMed 18948003; PubMed 23975875; PubMed 24395473; PubMed 27869827; PubMed 32964742.